The following is an entry in ClinVar:

ClinVar aggregate classification (germline): Uncertain significance. Review status: criteria provided, single submitter (1 of 4 stars). 2 submissions from 2 submitters: Uncertain significance (1). 1 of the submissions does not count toward it. Last evaluated 2025-08-16.

Conditions:
Coffin-Siris syndrome 1 (CSS1). Also called: ARID1B-Related Coffin-Siris Syndrome; Mental retardation, autosomal dominant 12. Identifiers: Orphanet 1465, MedGen C3281201, MONDO:0007617, OMIM 135900. Disease mechanism: gain of function.

Allele frequency attached by ClinVar (database versions not stated): gnomAD exomes below 0.00001; TOPMed 0.00001.
gnomAD v4.1: 1 of 1,613,140 alleles (0.000062%); highest among the groups gnomAD compares: Admixed American, 0.0017%; no homozygotes.

Submissions (2):

Dasa
Classification: Uncertain significance. Last evaluated: 2025-08-16. Review status: criteria provided, single submitter. Criteria: DASA Assertion Criteria. Collection method: clinical testing. Allele origin: germline.
Comment: NM_001374828.1(ARID1B):c.5896C>T (p.Arg1966Cys) is a missense variant that results in the substitution of arginine with cysteine. This variant is rare in population databases. The currently available literature and clinical evidence are not sufficient to establish a definitive association between this variant and the reported condition. Therefore, this variant is classified as a variant of uncertain significance.

University of Washington Center for Mendelian Genomics, University of Washington
Classification: Likely pathogenic for Coffin-Siris syndrome 1. Review status: no assertion criteria provided. Collection method: research. Allele origin: de novo. Affected: yes. Not counted in ClinVar's aggregate classification.

Literature cited by the submitters: PubMed 33098347 (cited by University of Washington Center for Mendelian Genomics, University of Washington).

NM_001374828.1(ARID1B):c.5896C>T (p.Arg1966Cys)

Gene: ARID1B (AT-rich interaction domain 1B; plus strand). Cytogenetic location: 6q25.3.
Variant type: single nucleotide variant.
Coding change: c.5896C>T on transcript NM_001374828.1 (MANE Select); coding-DNA position 5896, C replaced by T.
Protein change: p.Arg1966Cys; replaces arginine 1966 with cysteine.
Molecular consequence: missense variant.
Genome position (GRCh38, 1-based): chr6:157,206,668, C>T. VCF-style: chr6-157206668-C-T. GRCh37 (hg19) VCF-style: chr6-157527802-C-T.
Other names: c.3397C>T, p.Arg1133Cys (NM_001363725.2); c.5776C>T, p.Arg1926Cys (NM_001371656.1, NM_001374820.1); c.5737C>T, p.Arg1913Cys (NM_017519.3); short protein forms R1133C, R1913C, R1926C, R1966C.
Identifiers: ClinVar variation 1184820 (VCV001184820.3), dbSNP rs1369594791, ClinGen allele CA366247100.